The following is an entry in ClinVar:

NC_000022.10:g.(?_21067569)_(21414817_?)del

Genes: AIFM3 (AIF family member 3; plus strand), CRKL (CRK like proto-oncogene, adaptor protein; plus strand), LZTR1 (leucine zipper like post translational regulator 1; plus strand), P2RX6 (purinergic receptor P2X 6; plus strand), PI4KA (phosphatidylinositol 4-kinase alpha; minus strand) and 4 more. Cytogenetic location: 22q11.21.
Variant type: Deletion.
Identifiers: ClinVar variation 830866 (VCV000830866.2).

ClinVar aggregate classification (germline): Pathogenic (1 of 4 stars; one submission).

Submission:

Labcorp Genetics (formerly Invitae), Labcorp
Classification: Pathogenic. Last evaluated: 2022-07-18. Review status: criteria provided, single submitter. Criteria: Invitae Variant Classification Sherloc (09022015). Collection method: clinical testing. Allele origin: germline.
Comment: This variant is a gross deletion of the genomic region encompassing exon(s) 1-48 of the PI4KA gene, which includes the initiator codon. This deletion extends beyond the assayed region for this gene and therefore may encompass additional genes. It is expected to result in an absent or disrupted protein product. Loss-of-function variants in PI4KA are known to be pathogenic (PMID: 34415322). This variant has not been reported in the literature in individuals affected with PI4KA-related conditions. For these reasons, this variant has been classified as Pathogenic.

Literature cited by the submitters: PubMed 34415322.